The following is an entry in ClinVar:

ClinVar aggregate classification (germline): Uncertain significance (1 of 4 stars; one submission).

gnomAD v4.1: 1 of 1,606,046 alleles (0.000062%); highest among the groups gnomAD compares: East Asian, 0.0023%; no homozygotes.

Submission:

Labcorp Genetics (formerly Invitae), Labcorp
Classification: Uncertain significance. Last evaluated: 2024-11-04. Review status: criteria provided, single submitter. Criteria: Invitae Variant Classification Sherloc (09022015). Collection method: clinical testing. Allele origin: germline.
Comment: This sequence change replaces threonine, which is neutral and polar, with isoleucine, which is neutral and non-polar, at codon 640 of the IREB2 protein (p.Thr640Ile). The frequency data for this variant in the population databases is considered unreliable, as metrics indicate poor data quality at this position in the gnomAD database. This variant has not been reported in the literature in individuals affected with IREB2-related conditions. An algorithm developed to predict the effect of missense changes on protein structure and function (PolyPhen-2) suggests that this variant is likely to be disruptive. In summary, the available evidence is currently insufficient to determine the role of this variant in disease. Therefore, it has been classified as a Variant of Uncertain Significance.

NM_004136.4(IREB2):c.1919C>T (p.Thr640Ile)

Gene: IREB2 (iron responsive element binding protein 2; plus strand). Cytogenetic location: 15q25.1.
Variant type: single nucleotide variant.
Coding change: c.1919C>T on transcript NM_004136.4 (MANE Select); coding-DNA position 1919, C replaced by T.
Protein change: p.Thr640Ile; replaces threonine 640 with isoleucine.
Molecular consequence: missense variant.
Genome position (GRCh38, 1-based): chr15:78,488,304, C>T. VCF-style: chr15-78488304-C-T. GRCh37 (hg19) VCF-style: chr15-78780646-C-T.
Other names: c.1169C>T, p.Thr390Ile (NM_001320941.2); c.1748C>T, p.Thr583Ile (NM_001320942.2, NM_001354994.2); short protein forms T640I, T390I, T583I.
Identifiers: ClinVar variation 3716057 (VCV003716057.2).